The following is an entry in ClinVar:

ClinVar aggregate classification (germline): Uncertain significance (1 of 4 stars; one submission).

Conditions:
Mitochondrial complex I deficiency, nuclear type 6. Also called: Mitochondrial complex 1 deficiency, nuclear type 6. Identifiers: MedGen C4748759, MONDO:0032611, OMIM 618228.

Submission:

Victorian Clinical Genetics Services, Murdoch Childrens Research Institute
Classification: Uncertain significance for Mitochondrial complex I deficiency, nuclear type 6. Last evaluated: 2023-07-17. Review status: criteria provided, single submitter. Criteria: ACMG Guidelines, 2015. Collection method: clinical testing. Allele origin: germline. Inheritance: Autosomal recessive inheritance. Affected: yes.
Comment: Based on the classification scheme VCGS_Germline_v1.3.4, this variant is classified as VUS-3A. Following criteria are met: 0102 - Loss of function is a known mechanism of disease in this gene and is associated with mitochondrial complex I deficiency, nuclear type 6 (MIM#618228). (I) 0106 - This gene is associated with autosomal recessive disease. (I) 0200 - Variant is predicted to result in a missense amino acid change from glutamic acid to glutamine. (I) 0251 - This variant is heterozygous. (I) 0301 - Variant is absent from gnomAD (both v2 and v3). (SP) 0309 - An alternative amino acid change at the same position has been observed in gnomAD (v2) (1 heterozygote, 0 homozygotes). (I) 0501 - Missense variant consistently predicted to be damaging by multiple in silico tools or highly conserved with a major amino acid change. (SP) 0604 - Variant is not located in an established domain, motif, hotspot or informative constraint region. (I) 0704 - Another missense variant comparable to the one identified in this case has limited previous evidence for pathogenicity. This variant (p.(Glu148Lys)) has been reported once as pathogenic (ClinVar), and observed in a compound heterozygous individual with Leigh syndrome (PMID: 20819849). (SP) 0807 - This variant has no previous evidence of pathogenicity. (I) 0905 - No published segregation evidence has been identified for this variant. (I) 1007 - No published functional evidence has been identified for this variant. (I) 1208 - Inheritance information for this variant is not currently available in this individual. (I) Legend: (SP) - Supporting pathogenic, (I) - Information, (SB) - Supporting benign

Literature cited by the submitters: PubMed 20819849.

NM_001377299.1(NDUFS2):c.442G>C (p.Glu148Gln)

Gene: NDUFS2 (NADH:ubiquinone oxidoreductase core subunit S2; plus strand). Cytogenetic location: 1q23.3.
Variant type: single nucleotide variant.
Coding change: c.442G>C on transcript NM_001377299.1 (MANE Select); coding-DNA position 442, G replaced by C.
Protein change: p.Glu148Gln; replaces glutamic acid 148 with glutamine.
Molecular consequence: missense variant. On other transcripts: non-coding transcript variant (1).
Genome position (GRCh38, 1-based): chr1:161,209,241, G>C. VCF-style: chr1-161209241-G-C. GRCh37 (hg19) VCF-style: chr1-161179031-G-C.
Other names: c.442G>C, p.Glu148Gln (NM_001166159.2, NM_001377298.1, NM_001377300.1 and 4 more transcripts); short protein forms E148Q.
Identifiers: ClinVar variation 3254825 (VCV003254825.1), dbSNP rs1665637127.
Genomic context (GRCh38, chr1:161,209,241, plus strand): 5'-CCCTCTTCCCAGGCCCTTCCATACTTTGACCGGCTAGACTATGTGTCCATGATGTGTAAC[G>C]AACAGGCCTATTCTCTAGCTGTGGAGAAGTTGCTAAACATCCGGCCTCCTCCTCGGGCAC-3'
Protein context (NP_001364228.1, residues 138-158): RLDYVSMMCN[Glu148Gln]QAYSLAVEKL